The following is an entry in ClinVar:

ClinVar aggregate classification (germline): Uncertain significance. Review status: criteria provided, multiple submitters, no conflicts (2 of 4 stars). 2 submissions from 2 submitters: Uncertain significance (2). Last evaluated 2024-05-16.

Conditions:
Inborn genetic diseases. Identifiers: MedGen C0950123, MeSH D030342.
Early-infantile DEE. Also called: Early infantile epileptic encephalopathy with suppression bursts; Early infantile epileptic encephalopathy; Ohtahara syndrome. Identifiers: Orphanet 1934, MedGen C0393706, MONDO:0800491.

Allele frequency attached by ClinVar (database versions not stated): gnomAD 0.00001; TOPMed 0.00002.

Submissions (2):

Ambry Genetics
Classification: Uncertain significance for Inborn genetic diseases. Last evaluated: 2024-05-16. Review status: criteria provided, single submitter. Criteria: Ambry Variant Classification Scheme 2023. Collection method: clinical testing. Allele origin: germline.

Labcorp Genetics (formerly Invitae), Labcorp
Classification: Uncertain significance for Early-infantile DEE. Last evaluated: 2023-08-27. Review status: criteria provided, single submitter. Criteria: Invitae Variant Classification Sherloc (09022015). Collection method: clinical testing. Allele origin: germline.
Comment: In summary, the available evidence is currently insufficient to determine the role of this variant in disease. Therefore, it has been classified as a Variant of Uncertain Significance. Advanced modeling of protein sequence and biophysical properties (such as structural, functional, and spatial information, amino acid conservation, physicochemical variation, residue mobility, and thermodynamic stability) performed at Invitae indicates that this missense variant is not expected to disrupt SCN8A protein function. ClinVar contains an entry for this variant (Variation ID: 652724). This variant has not been reported in the literature in individuals affected with SCN8A-related conditions. This variant is not present in population databases (gnomAD no frequency). This sequence change replaces alanine, which is neutral and non-polar, with serine, which is neutral and polar, at codon 362 of the SCN8A protein (p.Ala362Ser).

NM_001330260.2(SCN8A):c.1084G>T (p.Ala362Ser)

Gene: SCN8A (sodium voltage-gated channel alpha subunit 8; plus strand). Cytogenetic location: 12q13.13.
Variant type: single nucleotide variant.
Coding change: c.1084G>T on transcript NM_001330260.2 (MANE Select); coding-DNA position 1084, G replaced by T.
Protein change: p.Ala362Ser; replaces alanine 362 with serine.
Molecular consequence: missense variant.
Genome position (GRCh38, 1-based): chr12:51,702,864, G>T. VCF-style: chr12-51702864-G-T. GRCh37 (hg19) VCF-style: chr12-52096648-G-T.
Other names: c.1084G>T (NM_014191.2); c.1084G>T, p.Ala362Ser (NM_001177984.3, NM_001369788.1, NM_014191.4); short protein forms A362S.
Identifiers: ClinVar variation 652724 (VCV000652724.10), dbSNP rs1592390497, ClinGen allele CA385227245.
Genomic context (GRCh38, chr12:51,702,864, plus strand): 5'-GCAGGAAGGAACCCCAACTATGGTTACACAAGTTTTGACACTTTTAGCTGGGCCTTCTTG[G>T]CATTATTTCGCCTTATGACCCAGGACTATTGGGAAAACTTGTATCAATTGGTGAGTAATA-3'
Protein context (NP_001317189.1, residues 352-372): SFDTFSWAFL[Ala362Ser]LFRLMTQDYW